The following is an entry in ClinVar:

NM_015107.3(PHF8):c.2980G>A (p.Gly994Arg)

Gene: PHF8 (PHD finger protein 8; minus strand). Cytogenetic location: Xp11.22.
Variant type: single nucleotide variant.
Coding change: c.2980G>A on transcript NM_015107.3 (MANE Select); coding-DNA position 2980, G replaced by A.
Protein change: p.Gly994Arg; replaces glycine 994 with arginine.
Molecular consequence: missense variant.
Genome position (GRCh38, 1-based): chrX:53,940,186, C>T on the plus strand (G>A on the coding strand, the complement: PHF8 is on the minus strand). VCF-style: chrX-53940186-C-T. GRCh37 (hg19) VCF-style: chrX-53966619-C-T.
Other names: c.3088G>A, p.Gly1030Arg (NM_001184896.1); c.2677G>A, p.Gly893Arg (NM_001184897.2); short protein forms G1030R, G893R, G994R.
Identifiers: ClinVar variation 2571894 (VCV002571894.1), dbSNP rs1158652040, ClinGen allele CA413240614.
Genomic context (GRCh38, chrX:53,940,186, plus strand): 5'-TTAGGGCAGGTGGCTCTAAGATCCTTCGGTTCTACAACCATATGGCCGTTGTACCTTGTC[C>T]TGCCTGATTGCTCTGGGAGCCAACTGAAGGGCGCCGCTGGGTCAAGAAGACACCGGGGGC-3'
Protein context (NP_055922.1, residues 984-1004): PSVGSQSNQA[Gly994Arg]QGKRPKKGLA

ClinVar aggregate classification (germline): Uncertain significance (1 of 4 stars; one submission).

Allele frequency attached by ClinVar (database versions not stated): gnomAD 0.00001; TOPMed 0.00001.

Submission:

GeneDx
Classification: Uncertain significance. Last evaluated: 2023-01-06. Review status: criteria provided, single submitter. Criteria: GeneDx Variant Classification Process June 2021. Collection method: clinical testing. Allele origin: germline. Affected: yes.
Comment: Not observed at significant frequency in large population cohorts (gnomAD); In silico analysis supports that this missense variant does not alter protein structure/function; Has not been previously published as pathogenic or benign to our knowledge